The following is an entry in ClinVar:

NM_004863.4(SPTLC2):c.1304G>T (p.Gly435Val)

Gene: SPTLC2 (serine palmitoyltransferase long chain base subunit 2; minus strand). Cytogenetic location: 14q24.3.
Variant type: single nucleotide variant.
Coding change: c.1304G>T on transcript NM_004863.4 (MANE Select); coding-DNA position 1304, G replaced by T.
Protein change: p.Gly435Val; replaces glycine 435 with valine.
Molecular consequence: missense variant.
Genome position (GRCh38, 1-based): chr14:77,521,581, C>A on the plus strand (G>T on the coding strand, the complement: SPTLC2 is on the minus strand). VCF-style: chr14-77521581-C-A. GRCh37 (hg19) VCF-style: chr14-77987924-C-A.
Other names: short protein forms G435V.
Identifiers: ClinVar variation 245796 (VCV000245796.2), dbSNP rs879253951, ClinGen allele CA10584490.

ClinVar aggregate classification (germline): Uncertain significance (1 of 4 stars; one submission).

Submission:

GeneDx
Classification: Uncertain significance. Last evaluated: 2015-06-10. Review status: criteria provided, single submitter. Criteria: GeneDx Variant Classification (06012015). Collection method: clinical testing. Allele origin: germline. Affected: yes.
Comment: The c.1304 G>T variant has not been published as pathogenic, nor has it been reported as a benign polymorphism to our knowledge. It was not observed in approximately 6,500 individuals of European and African American ancestry in the NHLBI Exome Sequencing Project, indicating it is not a common benign variant in these populations. Several in-silico splice prediction models predict that c.1304 G>T may damage the natural splice acceptor site in intron 9 and lead to abnormal gene splicing. However, in the absence of RNA/functional studies, the actual effect of this sequence change in this individual is unknown. If the c.1304 G>T variant does not effect splicing it will result in a G435V missense change. The G435V missense change is a conservative amino acid substitution, which is not likely to impact secondary protein structure as these residues share similar properties. This substitution occurs at a position that is conserved across species, and in silico analysis predicts this variant is probably damaging to the protein structure/function. However, missense variants in nearby residues have not been reported in the Human Gene Mutation Database in association with SPTLC2-related disorders (Stenson et al., 2014). Therefore, based on the currently available information, it is unclear whether this variant is a pathogenic or a rare benign variant.